The following is an entry in ClinVar:

NM_002161.6(IARS1):c.2512C>T (p.Arg838Ter)

Gene: IARS1 (isoleucyl-tRNA synthetase 1; minus strand). Cytogenetic location: 9q22.31.
Variant type: single nucleotide variant.
Coding change: c.2512C>T on transcript NM_002161.6 (MANE Select); coding-DNA position 2512, C replaced by T.
Protein change: p.Arg838Ter; replaces arginine 838 with a stop codon.
Molecular consequence: nonsense. On other transcripts: non-coding transcript variant (1).
Genome position (GRCh38, 1-based): chr9:92,250,207, G>A on the plus strand (C>T on the coding strand, the complement: IARS1 is on the minus strand). VCF-style: chr9-92250207-G-A. GRCh37 (hg19) VCF-style: chr9-95012489-G-A.
Other names: c.2437C>T, p.Arg813Ter (NM_001374299.1, NM_001374300.1, NM_001378584.1); c.2428C>T, p.Arg810Ter (NM_001374301.1); c.2575C>T, p.Arg859Ter (NM_001378569.1); c.2533C>T, p.Arg845Ter (NM_001378571.1); c.2512C>T, p.Arg838Ter (NM_001378572.1, NM_001378573.1, NM_001378574.1 and 9 more transcripts); c.2416C>T, p.Arg806Ter (NM_001378582.1); c.2389C>T, p.Arg797Ter (NM_001378583.1); short protein forms R797*, R806*, R810*, R813*, R838*, R845*, R859*.
Identifiers: ClinVar variation 4813459 (VCV004813459.1).

ClinVar aggregate classification (germline): Likely pathogenic (1 of 4 stars; one submission).

Conditions:
Growth retardation, intellectual developmental disorder, hypotonia, and hepatopathy (GRIDHH). Also called: GROWTH RETARDATION, IMPAIRED INTELLECTUAL DEVELOPMENT, HYPOTONIA, AND HEPATOPATHY. Identifiers: Orphanet 541423, MedGen C4310720, MONDO:0014911, OMIM 617093.

gnomAD v4.1: 9 of 1,608,014 alleles (0.00056%); highest among the groups gnomAD compares: South Asian, 0.0011%; no homozygotes.

Submission:

MVZ Praenatalmedizin und Genetik Nuernberg
Classification: Likely pathogenic for Growth retardation, intellectual developmental disorder, hypotonia, and hepatopathy. Last evaluated: 2025-09-12. Review status: criteria provided, single submitter. Criteria: ACMG Guidelines, 2015. Collection method: clinical testing. Allele origin: maternal. Affected: no.
Comment: It leads to a premature stop codon (p.(Arg838*)) in exon 24 of 34 of the IARS1 gene. It has not yet been annotated in gnomADv2/v4 or ClinVar, nor has it been described in the literature. Based on the nature of the change, we believe the variant should be classified as likely pathogenic (recessive inheritance).